The following is an entry in ClinVar:

ClinVar aggregate classification (germline): Uncertain significance (1 of 4 stars; one submission).

Conditions:
DK1-congenital disorder of glycosylation. Also called: CONGENITAL DISORDER OF GLYCOSYLATION, TYPE Im; CDG Im; DK1 DEFICIENCY; DOLICHOL KINASE DEFICIENCY; DK1-CDG; DOLK-congenital disorder of glycosylation. Identifiers: Orphanet 91131, MedGen C1835849, MONDO:0012556, OMIM 610768.

Submission:

Labcorp Genetics (formerly Invitae), Labcorp
Classification: Uncertain significance for DK1-congenital disorder of glycosylation. Last evaluated: 2025-11-27. Review status: criteria provided, single submitter. Criteria: Invitae Variant Classification Sherloc (09022015). Collection method: clinical testing. Allele origin: germline.
Comment: This sequence change replaces glutamine, which is neutral and polar, with arginine, which is basic and polar, at codon 331 of the DOLK protein (p.Gln331Arg). This variant is not present in population databases (gnomAD no frequency). This variant has not been reported in the literature in individuals affected with DOLK-related conditions. Invitae Evidence Modeling of protein sequence and biophysical properties (such as structural, functional, and spatial information, amino acid conservation, physicochemical variation, residue mobility, and thermodynamic stability) indicates that this missense variant is not expected to disrupt DOLK protein function with a negative predictive value of 80%. In summary, the available evidence is currently insufficient to determine the role of this variant in disease. Therefore, it has been classified as a Variant of Uncertain Significance.

NM_014908.4(DOLK):c.992A>G (p.Gln331Arg)

Gene: DOLK (dolichol kinase; minus strand). Cytogenetic location: 9q34.11.
Variant type: single nucleotide variant.
Coding change: c.992A>G on transcript NM_014908.4 (MANE Select); coding-DNA position 992, A replaced by G.
Protein change: p.Gln331Arg; replaces glutamine 331 with arginine.
Molecular consequence: missense variant.
Genome position (GRCh38, 1-based): chr9:128,946,312, T>C on the plus strand (A>G on the coding strand, the complement: DOLK is on the minus strand). VCF-style: chr9-128946312-T-C. GRCh37 (hg19) VCF-style: chr9-131708591-T-C.
Other names: short protein forms Q331R.
Identifiers: ClinVar variation 4743209 (VCV004743209.1).
Genomic context (GRCh38, chr9:128,946,312, plus strand): 5'-CCTGGGATGTAGGTGGCTACCACAATGAGGTGGAAATACTTTCGGGCGATGGTGGGGGCC[T>C]GGTGCTTCTTGGACTCGGAAGATGACCGCTTGGCATTCTGGTACAGCACCACCAGGCAGG-3'
Protein context (NP_055723.1, residues 321-341): KRSSSESKKH[Gln331Arg]APTIARKYFH